The following is an entry in ClinVar:

NM_001130438.3(SPTAN1):c.1948G>A (p.Ala650Thr)

Gene: SPTAN1 (spectrin alpha, non-erythrocytic 1; plus strand). Cytogenetic location: 9q34.11.
Variant type: single nucleotide variant.
Coding change: c.1948G>A on transcript NM_001130438.3 (MANE Select); coding-DNA position 1948, G replaced by A.
Protein change: p.Ala650Thr; replaces alanine 650 with threonine.
Molecular consequence: missense variant.
Genome position (GRCh38, 1-based): chr9:128,583,218, G>A. VCF-style: chr9-128583218-G-A. GRCh37 (hg19) VCF-style: chr9-131345497-G-A.
Other names: c.1948G>A, p.Ala650Thr (NM_001195532.2, NM_001363759.2, NM_001363765.2 and 5 more transcripts); c.1984G>A, p.Ala662Thr (NM_001375312.2, NM_001375318.1); short protein forms A650T, A662T.
Identifiers: ClinVar variation 2428426 (VCV002428426.6), dbSNP rs750359826, ClinGen allele CA5264539.

ClinVar aggregate classification (germline): Uncertain significance (1 of 4 stars; one submission).

Conditions:
Early-infantile DEE. Also called: Early infantile epileptic encephalopathy with suppression bursts; Early infantile epileptic encephalopathy; Ohtahara syndrome. Identifiers: Orphanet 1934, MedGen C0393706, MONDO:0800491.

Allele frequency attached by ClinVar (database versions not stated): gnomAD exomes below 0.00001; ExAC 0.00002.
gnomAD v4.1: 1 of 1,614,070 alleles (0.000062%); highest among the groups gnomAD compares: Admixed American, 0.0017%; no homozygotes.

Submission:

Labcorp Genetics (formerly Invitae), Labcorp
Classification: Uncertain significance for Early-infantile DEE. Last evaluated: 2022-03-27. Review status: criteria provided, single submitter. Criteria: Invitae Variant Classification Sherloc (09022015). Collection method: clinical testing. Allele origin: germline.
Comment: Algorithms developed to predict the effect of missense changes on protein structure and function (SIFT, PolyPhen-2, Align-GVGD) all suggest that this variant is likely to be tolerated. In summary, the available evidence is currently insufficient to determine the role of this variant in disease. Therefore, it has been classified as a Variant of Uncertain Significance. This variant has not been reported in the literature in individuals affected with SPTAN1-related conditions. This variant is present in population databases (rs750359826, gnomAD 0.006%). This sequence change replaces alanine, which is neutral and non-polar, with threonine, which is neutral and polar, at codon 650 of the SPTAN1 protein (p.Ala650Thr).